The following is an entry in ClinVar:

ClinVar aggregate classification (germline): Uncertain significance. Review status: criteria provided, multiple submitters, no conflicts (2 of 4 stars). 2 submissions from 2 submitters: Uncertain significance (2). Last evaluated 2025-12-10.

gnomAD v4.1: 32 of 1,614,076 alleles (0.002%); highest among the groups gnomAD compares: African/African-American, 0.0027%; no homozygotes.

Submissions (2):

Ambry Genetics
Classification: Uncertain significance. Last evaluated: 2025-12-10. Review status: criteria provided, single submitter. Criteria: Ambry Variant Classification Scheme 2023. Collection method: clinical testing. Allele origin: germline.

Labcorp Genetics (formerly Invitae), Labcorp
Classification: Uncertain significance. Last evaluated: 2024-05-09. Review status: criteria provided, single submitter. Criteria: Invitae Variant Classification Sherloc (09022015). Collection method: clinical testing. Allele origin: germline.
Comment: This sequence change replaces asparagine, which is neutral and polar, with serine, which is neutral and polar, at codon 26 of the NAA35 protein (p.Asn26Ser). This variant is present in population databases (no rsID available, gnomAD 0.004%). This variant has not been reported in the literature in individuals affected with NAA35-related conditions. Algorithms developed to predict the effect of missense changes on protein structure and function output the following: SIFT: "Not Available"; PolyPhen-2: "Benign"; Align-GVGD: "Not Available". The serine amino acid residue is found in multiple mammalian species, which suggests that this missense change does not adversely affect protein function. In summary, the available evidence is currently insufficient to determine the role of this variant in disease. Therefore, it has been classified as a Variant of Uncertain Significance.

NM_024635.4(NAA35):c.77A>G (p.Asn26Ser)

Gene: NAA35 (N-alpha-acetyltransferase 35, NatC auxiliary subunit; plus strand). Cytogenetic location: 9q21.33.
Variant type: single nucleotide variant.
Coding change: c.77A>G on transcript NM_024635.4 (MANE Select); coding-DNA position 77, A replaced by G.
Protein change: p.Asn26Ser; replaces asparagine 26 with serine.
Molecular consequence: missense variant.
Genome position (GRCh38, 1-based): chr9:85,942,236, A>G. VCF-style: chr9-85942236-A-G. GRCh37 (hg19) VCF-style: chr9-88557151-A-G.
Other names: c.77A>G, p.Asn26Ser (NM_001321881.2, NM_001321882.2); c.77A>G (NM_024635.3); short protein forms N26S.
Identifiers: ClinVar variation 3697819 (VCV003697819.3).
Genomic context (GRCh38, chr9:85,942,236, plus strand): 5'-CTGTAGATGATGACGATTCAGGATGGGAGCTCAGTATGCCAGAAAAAATGGAGAAAAGCA[A>G]TACAAACTGGGTGGACATTACCCAAGATTTTGAAGAAGCTTGTCGAGGTGAGTCTGATTT-3'
Protein context (NP_078911.3, residues 16-36): LSMPEKMEKS[Asn26Ser]TNWVDITQDF